The following is an entry in ClinVar:

ClinVar aggregate classification (germline): Benign/Likely benign. Review status: criteria provided, multiple submitters, no conflicts (2 of 4 stars). 6 submissions from 6 submitters: Benign (1); Likely benign (5). Last evaluated 2026-09-28.

Conditions:
Hereditary cancer-predisposing syndrome. Also called: Hereditary Cancer Syndrome; Hereditary neoplastic syndrome; Neoplastic Syndromes, Hereditary; Tumor predisposition. Identifiers: Orphanet 140162, MedGen C0027672, MeSH D009386, MONDO:0015356.
Neurofibromatosis, type 1 (NF1). Also called: VON RECKLINGHAUSEN DISEASE; NEUROFIBROMATOSIS, TYPE I, SOMATIC; Neurofibromatosis, type I; Peripheral type neurofibromatosis. Identifiers: Orphanet 636, MedGen C0027831, MONDO:0018975, OMIM 162200. Disease mechanism: loss of function.
Neurofibromatosis, familial spinal (FSNF). Identifiers: Orphanet 636, MedGen C1834235, MONDO:0008078, OMIM 162210. Disease mechanism: loss of function.
Juvenile myelomonocytic leukemia (JMML). Also called: LEUKEMIA, JUVENILE MYELOMONOCYTIC, SOMATIC. Identifiers: Orphanet 86834, MedGen C0349639, MONDO:0011908, OMIM 607785, HP:0012209.
Neurofibromatosis-Noonan syndrome (NFNS). Also called: NEUROFIBROMATOSIS WITH NOONAN PHENOTYPE. Identifiers: Orphanet 638, MedGen C2931482, MONDO:0011035, OMIM 601321. Disease mechanism: loss of function.
Café-au-lait macules with pulmonary stenosis (WTSN). Also called: PULMONIC STENOSIS WITH CAFE-AU-LAIT SPOTS. Identifiers: MedGen C0553586, MONDO:0008672, OMIM 193520.

Allele frequency attached by ClinVar (database versions not stated): ESP Exome Variant Server 0.00015; gnomAD exomes below 0.00001 and 0.00002; ExAC 0.00001; TOPMed 0.00002.
gnomAD v4.1: 5 of 1,614,034 alleles (0.00031%); highest among the groups gnomAD compares: Admixed American, 0.005%; no homozygotes.

Submissions (6):

Myriad Genetics, Inc.
Classification: Benign for Neurofibromatosis, type 1. Last evaluated: 2026-09-28. Review status: criteria provided, single submitter. Criteria: Myriad Autosomal Dominant, Autosomal Recessive and X-Linked Classification Criteria (2023). Collection method: clinical testing. Allele origin: unknown.
Comment: This variant is considered benign. This variant is a silent/synonymous amino acid change and it is not expected to impact splicing.

Labcorp Genetics (formerly Invitae), Labcorp
Classification: Likely benign for Neurofibromatosis, type 1. Last evaluated: 2025-11-23. Review status: criteria provided, single submitter. Criteria: Invitae Variant Classification Sherloc (09022015). Collection method: clinical testing. Allele origin: germline.

Genome-Nilou Lab
Classification: Likely benign for Neurofibromatosis, type 1. Last evaluated: 2022-03-15. Review status: criteria provided, single submitter. Criteria: ACMG Guidelines, 2015. Collection method: clinical testing. Allele origin: germline. Affected: no.

Fulgent Genetics
Classification: Likely benign for Neurofibromatosis, type 1; Neurofibromatosis, familial spinal; Café-au-lait macules with pulmonary stenosis; Neurofibromatosis-Noonan syndrome; Juvenile myelomonocytic leukemia. Last evaluated: 2021-12-29. Review status: criteria provided, single submitter. Criteria: ACMG Guidelines, 2015. Collection method: clinical testing. Allele origin: unknown.

GeneDx
Classification: Likely benign. Last evaluated: 2021-05-07. Review status: criteria provided, single submitter. Criteria: GeneDx Variant Classification Process June 2021. Collection method: clinical testing. Allele origin: germline. Affected: yes.

Ambry Genetics
Classification: Likely benign for Hereditary cancer-predisposing syndrome. Last evaluated: 2015-10-15. Review status: criteria provided, single submitter. Criteria: Ambry Autosomal Dominant and X-Linked criteria (10/2015). Collection method: clinical testing. Allele origin: germline. Observed: 1 variant allele.

NM_001042492.3(NF1):c.8385C>T (p.Asp2795=)

Gene: NF1 (neurofibromin 1; plus strand). Cytogenetic location: 17q11.2.
Variant type: single nucleotide variant.
Coding change: c.8385C>T on transcript NM_001042492.3 (MANE Select); coding-DNA position 8385, C replaced by T.
Protein change: p.Asp2795=; no amino-acid change (aspartic acid 2795 retained).
Molecular consequence: synonymous variant.
Genome position (GRCh38, 1-based): chr17:31,374,020, C>T. VCF-style: chr17-31374020-C-T. GRCh37 (hg19) VCF-style: chr17-29701038-C-T.
Other names: c.8322C>T, p.Asp2774= (NM_000267.4).
Identifiers: ClinVar variation 412980 (VCV000412980.18), dbSNP rs144635489, ClinGen allele CA8487816.